The following is an entry in ClinVar:

ClinVar aggregate classification (germline): Uncertain significance (1 of 4 stars; one submission).

gnomAD v4.1: 1 of 1,613,604 alleles (0.000062%); highest among the groups gnomAD compares: African/African-American, 0.0013%; no homozygotes.

Submission:

Labcorp Genetics (formerly Invitae), Labcorp
Classification: Uncertain significance. Last evaluated: 2024-12-10. Review status: criteria provided, single submitter. Criteria: Invitae Variant Classification Sherloc (09022015). Collection method: clinical testing. Allele origin: germline.
Comment: This sequence change replaces cysteine, which is neutral and slightly polar, with arginine, which is basic and polar, at codon 64 of the PLA2G5 protein (p.Cys64Arg). This variant is not present in population databases (gnomAD no frequency). This variant has not been reported in the literature in individuals affected with PLA2G5-related conditions. An algorithm developed to predict the effect of missense changes on protein structure and function (PolyPhen-2) suggests that this variant is likely to be disruptive. In summary, the available evidence is currently insufficient to determine the role of this variant in disease. Therefore, it has been classified as a Variant of Uncertain Significance.

NM_000929.3(PLA2G5):c.190T>C (p.Cys64Arg)

Gene: PLA2G5 (phospholipase A2 group V; plus strand). Cytogenetic location: 1p36.13.
Variant type: single nucleotide variant.
Coding change: c.190T>C on transcript NM_000929.3 (MANE Select); coding-DNA position 190, T replaced by C.
Protein change: p.Cys64Arg; replaces cysteine 64 with arginine.
Molecular consequence: missense variant.
Genome position (GRCh38, 1-based): chr1:20,089,793, T>C. VCF-style: chr1-20089793-T-C. GRCh37 (hg19) VCF-style: chr1-20416286-T-C.
Other names: short protein forms C64R.
Identifiers: ClinVar variation 3623716 (VCV003623716.2).